The following is an entry in ClinVar:

ClinVar aggregate classification (germline): Uncertain significance (1 of 4 stars; one submission).

Conditions:
Hereditary cancer-predisposing syndrome. Also called: Tumor predisposition; Hereditary Cancer Syndrome; Hereditary neoplastic syndrome; Neoplastic Syndromes, Hereditary. Identifiers: Orphanet 140162, MedGen C0027672, MeSH D009386, MONDO:0015356.

Submission:

Ambry Genetics
Classification: Uncertain significance for Hereditary cancer-predisposing syndrome. Last evaluated: 2024-05-03. Review status: criteria provided, single submitter. Criteria: Ambry Variant Classification Scheme 2023. Collection method: clinical testing. Allele origin: germline.
Comment: The p.E306D variant (also known as c.918G>C), located in coding exon 6 of the FLCN gene, results from a G to C substitution at nucleotide position 918. The glutamic acid at codon 306 is replaced by aspartic acid, an amino acid with highly similar properties. This amino acid position is highly conserved in available vertebrate species. In addition, the in silico prediction for this alteration is inconclusive. Based on the available evidence, the clinical significance of this variant remains unclear.

NM_144997.7(FLCN):c.918G>C (p.Glu306Asp)

Gene: FLCN (folliculin; minus strand). Cytogenetic location: 17p11.2.
Variant type: single nucleotide variant.
Coding change: c.918G>C on transcript NM_144997.7 (MANE Select); coding-DNA position 918, G replaced by C.
Protein change: p.Glu306Asp; replaces glutamic acid 306 with aspartic acid.
Molecular consequence: missense variant.
Genome position (GRCh38, 1-based): chr17:17,219,163, C>G on the plus strand (G>C on the coding strand, the complement: FLCN is on the minus strand). VCF-style: chr17-17219163-C-G. GRCh37 (hg19) VCF-style: chr17-17122477-C-G.
Other names: c.972G>C, p.Glu324Asp (NM_001353229.2); c.918G>C, p.Glu306Asp (NM_001353230.2, NM_001353231.2); short protein forms E324D, E306D.
Identifiers: ClinVar variation 3279024 (VCV003279024.1).